The following is an entry in ClinVar:

NM_020718.4(USP31):c.4018A>G (p.Ser1340Gly)

Gene: USP31 (ubiquitin specific peptidase 31; minus strand). Cytogenetic location: 16p12.2.
Variant type: single nucleotide variant.
Coding change: c.4018A>G on transcript NM_020718.4 (MANE Select); coding-DNA position 4018, A replaced by G.
Protein change: p.Ser1340Gly; replaces serine 1340 with glycine.
Molecular consequence: missense variant. On other transcripts: non-coding transcript variant (1).
Genome position (GRCh38, 1-based): chr16:23,068,087, T>C on the plus strand (A>G on the coding strand, the complement: USP31 is on the minus strand). VCF-style: chr16-23068087-T-C. GRCh37 (hg19) VCF-style: chr16-23079408-T-C.
Other names: c.3898A>G, p.Ser1300Gly (NM_001387221.1); short protein forms S1300G, S1340G.
Identifiers: ClinVar variation 2646315 (VCV002646315.24), dbSNP rs114976439, ClinGen allele CA7958452.
Genomic context (GRCh38, chr16:23,068,087, plus strand): 5'-CACTTTGATTGCAGAAATATCACTGAGGTTTTTGAGAAGGCCGTGCAGAGGTTTGCATGC[T>C]AGAAGATAACTTTTTTGAGGATTTCTCTGCAGACTGCCTGCCACCCGGAGACGAGGGAAC-3'
Protein context (NP_065769.3, residues 1330-1350): AEKSSKKLSS[Ser1340Gly]MQTSARPSQK

ClinVar aggregate classification (germline): Likely benign (1 of 4 stars; one submission).

Allele frequency attached by ClinVar (database versions not stated): 1000 Genomes Project 30x 0.00062; 1000 Genomes Project 0.00080; ExAC 0.00175; gnomAD 0.00212; TOPMed 0.00220; ESP Exome Variant Server 0.00246; gnomAD exomes 0.00322.
gnomAD v4.1: 4,997 of 1,614,210 alleles (0.31%); highest among the groups gnomAD compares: Non-Finnish European, 0.39%; 8 homozygotes.

Submission:

CeGaT Center for Human Genetics Tuebingen
Classification: Likely benign. Last evaluated: 2023-04-01. Review status: criteria provided, single submitter. Criteria: CeGaT Center For Human Genetics Tuebingen Variant Classification Criteria Version 2. Collection method: clinical testing. Allele origin: germline. Affected: yes. Observed: 1 variant allele.
Comment: USP31: BP4